The following is an entry in ClinVar:

NM_014423.4(AFF4):c.1039T>C (p.Phe347Leu)

Gene: AFF4 (ALF transcription elongation factor 4; minus strand). Cytogenetic location: 5q31.1.
Variant type: single nucleotide variant.
Coding change: c.1039T>C on transcript NM_014423.4 (MANE Select); coding-DNA position 1039, T replaced by C.
Protein change: p.Phe347Leu; replaces phenylalanine 347 with leucine.
Molecular consequence: missense variant.
Genome position (GRCh38, 1-based): chr5:132,927,132, A>G on the plus strand (T>C on the coding strand, the complement: AFF4 is on the minus strand). VCF-style: chr5-132927132-A-G. GRCh37 (hg19) VCF-style: chr5-132262824-A-G.
Other names: short protein forms F347L.
Identifiers: ClinVar variation 2817646 (VCV002817646.3), dbSNP rs2532556846, ClinGen allele CA360952489.

ClinVar aggregate classification (germline): Uncertain significance (1 of 4 stars; one submission).

Conditions:
Cognitive impairment - coarse facies - heart defects - obesity - pulmonary involvement - short stature - skeletal dysplasia syndrome. Also called: Chops syndrome; AFF4-Related CHOPS Syndrome; COGNITIVE IMPAIRMENT, COARSE FACIES, HEART DEFECTS, OBESITY, PULMONARY INVOLVEMENT, SHORT STATURE, AND SKELETAL DYSPLASIA. Identifiers: Orphanet 444077, MedGen C4085597, MONDO:0014609, OMIM 616368.

Submission:

Labcorp Genetics (formerly Invitae), Labcorp
Classification: Uncertain significance for Cognitive impairment - coarse facies - heart defects - obesity - pulmonary involvement - short stature - skeletal dysplasia syndrome. Last evaluated: 2022-12-05. Review status: criteria provided, single submitter. Criteria: Invitae Variant Classification Sherloc (09022015). Collection method: clinical testing. Allele origin: germline.
Comment: In summary, the available evidence is currently insufficient to determine the role of this variant in disease. Therefore, it has been classified as a Variant of Uncertain Significance. Advanced modeling of protein sequence and biophysical properties (such as structural, functional, and spatial information, amino acid conservation, physicochemical variation, residue mobility, and thermodynamic stability) has been performed at Invitae for this missense variant, however the output from this modeling did not meet the statistical confidence thresholds required to predict the impact of this variant on AFF4 protein function. This variant has not been reported in the literature in individuals affected with AFF4-related conditions. This variant is not present in population databases (gnomAD no frequency). This sequence change replaces phenylalanine, which is neutral and non-polar, with leucine, which is neutral and non-polar, at codon 347 of the AFF4 protein (p.Phe347Leu).